The following is an entry in ClinVar:

NM_033409.4(SLC52A3):c.908T>C (p.Ile303Thr)

Gene: SLC52A3 (solute carrier family 52 member 3; minus strand). Cytogenetic location: 20p13.
Variant type: single nucleotide variant.
Coding change: c.908T>C on transcript NM_033409.4 (MANE Select); coding-DNA position 908, T replaced by C.
Protein change: p.Ile303Thr; replaces isoleucine 303 with threonine.
Molecular consequence: missense variant.
Genome position (GRCh38, 1-based): chr20:763,663, A>G on the plus strand (T>C on the coding strand, the complement: SLC52A3 is on the minus strand). VCF-style: chr20-763663-A-G. GRCh37 (hg19) VCF-style: chr20-744307-A-G.
Other names: c.908T>C, p.Ile303Thr (NM_001370085.1, NM_001370086.1); c.908T>C (NM_033409.3); short protein forms I303T.
Identifiers: ClinVar variation 2151553 (VCV002151553.2), dbSNP rs749383739, ClinGen allele CA9724654.
Genomic context (GRCh38, chr20:763,663, plus strand): 5'-GTCTGCACAGAGGGCAGCATGCCGTTGGTGAGCGCGTTGACGAAGGCCACCAGGGTATAG[A>G]TGAAGGCCAGGTGCGCCGGGCAGCAGGGGGCTGCTTTCTCCTCTAGATACCCCTGGCCCT-3'
Protein context (NP_212134.3, residues 293-313): APCCPAHLAF[Ile303Thr]YTLVAFVNAL

ClinVar aggregate classification (germline): Uncertain significance. Review status: criteria provided, multiple submitters, no conflicts (2 of 4 stars). 2 submissions from 2 submitters: Uncertain significance (2). Last evaluated 2025-11-04.

Conditions:
Brown-Vialetto-van Laere syndrome 1. Also called: BROWN-VIALETTO-VAN LAERE SYNDROME 1, MILD; BULBAR PALSY, PROGRESSIVE, WITH SENSORINEURAL DEAFNESS; PONTOBULBAR PALSY WITH DEAFNESS. Identifiers: Orphanet 572550, Orphanet 97229, MedGen C0796274, MONDO:0024537, OMIM 211530.
Inborn genetic diseases. Identifiers: MedGen C0950123, MeSH D030342.

Allele frequency attached by ClinVar (database versions not stated): gnomAD exomes below 0.00001; ExAC 0.00002; gnomAD 0.00003; TOPMed 0.00008.
gnomAD v4.1: 7 of 1,613,996 alleles (0.00043%); highest among the groups gnomAD compares: African/African-American, 0.0093%; no homozygotes.

Submissions (2):

Ambry Genetics
Classification: Uncertain significance for Inborn genetic diseases. Last evaluated: 2025-11-04. Review status: criteria provided, single submitter. Criteria: Ambry Variant Classification Scheme 2023. Collection method: clinical testing. Allele origin: germline.

Labcorp Genetics (formerly Invitae), Labcorp
Classification: Uncertain significance for Brown-Vialetto-van Laere syndrome 1. Last evaluated: 2022-07-11. Review status: criteria provided, single submitter. Criteria: Invitae Variant Classification Sherloc (09022015). Collection method: clinical testing. Allele origin: germline.
Comment: This sequence change replaces isoleucine, which is neutral and non-polar, with threonine, which is neutral and polar, at codon 303 of the SLC52A3 protein (p.Ile303Thr). This variant is present in population databases (rs749383739, gnomAD 0.01%). This variant has not been reported in the literature in individuals affected with SLC52A3-related conditions. Algorithms developed to predict the effect of missense changes on protein structure and function (SIFT, PolyPhen-2, Align-GVGD) all suggest that this variant is likely to be disruptive. In summary, the available evidence is currently insufficient to determine the role of this variant in disease. Therefore, it has been classified as a Variant of Uncertain Significance.